The following is an entry in ClinVar:

NM_005573.4(LMNB1):c.72del (p.Thr25fs)

Gene: LMNB1 (lamin B1; plus strand). Cytogenetic location: 5q23.2.
Variant type: Deletion.
Coding change: c.72del on transcript NM_005573.4 (MANE Select); coding-DNA position 72, one base deleted (C; older notation c.72delC).
Protein change: p.Thr25fs; shifts the reading frame from threonine 25.
Molecular consequence: frameshift variant. On other transcripts: non-coding transcript variant (1), intron variant (1).
Genome position (GRCh38, 1-based): chr5:126,777,580, C deleted; the last of 4 consecutive C bases (chr5:126,777,577-126,777,580); deleting any one gives the same sequence. VCF-style (leftmost placement, unchanged base first): chr5-126777576-GC-G. GRCh37 (hg19) VCF-style: chr5-126113268-GC-G.
Other names: c.-272+336del (NM_001198557.2); short protein forms T25fs.
Identifiers: ClinVar variation 1304339 (VCV001304339.2), dbSNP rs2112911764, ClinGen allele CA2573052408.
Genomic context (GRCh38, chr5:126,777,576, plus strand): 5'-CTGCGACCCCCGTGCCGCCGCGGATGGGCAGCCGCGCTGGCGGCCCCACCACGCCGCTGA[GC>G]CCCACGCGCCTGTCGCGGCTCCAGGAGAAGGAGGAGCTGCGCGAGCTCAATGACCGGCTG-3'

ClinVar aggregate classification (germline): Uncertain significance (1 of 4 stars; one submission).

Submission:

GeneDx
Classification: Uncertain significance. Last evaluated: 2018-12-05. Review status: criteria provided, single submitter. Criteria: GeneDx Variant Classification Process June 2021. Collection method: clinical testing. Allele origin: germline. Affected: yes.
Comment: Not observed in large population cohorts (Lek et al., 2016); Frameshift variant predicted to result in protein truncation or nonsense mediated decay in a gene for which loss-of-function is not a known mechanism of disease; Has not been previously published as pathogenic or benign to our knowledge